The following is an entry in ClinVar:

ClinVar aggregate classification (germline): Likely benign. Review status: criteria provided, multiple submitters, no conflicts (2 of 4 stars). 2 submissions from 2 submitters: Likely benign (2). Last evaluated 2023-07-01.

gnomAD v4.1: 4 of 1,614,136 alleles (0.00025%); highest among the groups gnomAD compares: Middle Eastern, 0.016%; no homozygotes.

Submissions (2):

CeGaT Center for Human Genetics Tuebingen
Classification: Likely benign. Last evaluated: 2023-07-01. Review status: criteria provided, single submitter. Criteria: CeGaT Center For Human Genetics Tuebingen Variant Classification Criteria Version 2. Collection method: clinical testing. Allele origin: germline. Affected: yes. Observed: 2 variant alleles.
Comment: KMT2C: BP4, BP7

Labcorp Genetics (formerly Invitae), Labcorp
Classification: Likely benign. Last evaluated: 2023-04-04. Review status: criteria provided, single submitter. Criteria: Invitae Variant Classification Sherloc (09022015). Collection method: clinical testing. Allele origin: germline.

NM_170606.3(KMT2C):c.6189A>C (p.Ala2063=)

Gene: KMT2C (lysine methyltransferase 2C; minus strand). Cytogenetic location: 7q36.1.
Variant type: single nucleotide variant.
Coding change: c.6189A>C on transcript NM_170606.3 (MANE Select); coding-DNA position 6189, A replaced by C.
Protein change: p.Ala2063=; no amino-acid change (alanine 2063 retained).
Molecular consequence: synonymous variant.
Genome position (GRCh38, 1-based): chr7:152,181,671, T>G on the plus strand (A>C on the coding strand, the complement: KMT2C is on the minus strand). VCF-style: chr7-152181671-T-G. GRCh37 (hg19) VCF-style: chr7-151878756-T-G.
Identifiers: ClinVar variation 2658217 (VCV002658217.27), dbSNP rs911234543, ClinGen allele CA458888556.
Genomic context (GRCh38, chr7:152,181,671, plus strand): 5'-ATCTATAGGTCTTGGTGTCAAAGCAGGCCTTTCATAAGGGTCAACAGACAATCGCCTTGA[T>G]GCCTGTGACACTGATCCATAAGGATCCTGAGAGGATGGAGGAGGTTGCATTGGAGTCTTA-3'
Protein context (NP_733751.2, residues 2053-2073): SQDPYGSVSQ[Ala2063=]SRRLSVDPYE